The following is an entry in ClinVar:

ClinVar aggregate classification (germline): Uncertain significance (1 of 4 stars; one submission).

Conditions:
Charcot-Marie-Tooth disease axonal type 2O. Also called: CHARCOT-MARIE-TOOTH NEUROPATHY, AXONAL, TYPE 2O; CHARCOT-MARIE-TOOTH DISEASE, AXONAL, AUTOSOMAL DOMINANT, TYPE 2O; Charcot-Marie-Tooth Neuropathy Type 2O; Charcot-Marie-Tooth disease, axonal, type 20. Identifiers: Orphanet 284232, MedGen C3280220, MONDO:0013644, OMIM 614228.

Submission:

Labcorp Genetics (formerly Invitae), Labcorp
Classification: Uncertain significance for Charcot-Marie-Tooth disease axonal type 2O. Last evaluated: 2024-10-23. Review status: criteria provided, single submitter. Criteria: Invitae Variant Classification Sherloc (09022015). Collection method: clinical testing. Allele origin: germline.
Comment: This sequence change replaces lysine, which is basic and polar, with glutamine, which is neutral and polar, at codon 4406 of the DYNC1H1 protein (p.Lys4406Gln). This variant is not present in population databases (gnomAD no frequency). This variant has not been reported in the literature in individuals affected with DYNC1H1-related conditions. This missense change has been observed in at least one individual who was not affected with DYNC1H1-related conditions (internal data). ClinVar contains an entry for this variant (Variation ID: 1350674). An algorithm developed to predict the effect of missense changes on protein structure and function (PolyPhen-2) suggests that this variant is likely to be tolerated. In summary, the available evidence is currently insufficient to determine the role of this variant in disease. Therefore, it has been classified as a Variant of Uncertain Significance.

NM_001376.5(DYNC1H1):c.13216A>C (p.Lys4406Gln)

Gene: DYNC1H1 (dynein cytoplasmic 1 heavy chain 1; plus strand). Cytogenetic location: 14q32.31.
Variant type: single nucleotide variant.
Coding change: c.13216A>C on transcript NM_001376.5 (MANE Select); coding-DNA position 13216, A replaced by C.
Protein change: p.Lys4406Gln; replaces lysine 4406 with glutamine.
Molecular consequence: missense variant.
Genome position (GRCh38, 1-based): chr14:102,048,026, A>C. VCF-style: chr14-102048026-A-C. GRCh37 (hg19) VCF-style: chr14-102514363-A-C.
Other names: short protein forms K4406Q.
Identifiers: ClinVar variation 1350674 (VCV001350674.8), dbSNP rs2048750992, ClinGen allele CA391046818.